The following is an entry in ClinVar:

ClinVar aggregate classification (germline): Uncertain significance. Review status: criteria provided, multiple submitters, no conflicts (2 of 4 stars). 2 submissions from 2 submitters: Uncertain significance (2). Last evaluated 2022-11-29.

Conditions:
Asphyxiating thoracic dystrophy 5 (SRTD5). Also called: SHORT-RIB THORACIC DYSPLASIA 5 WITH OR WITHOUT POLYDACTYLY; SHORT-RIB THORACIC DYSPLASIA 5 WITHOUT POLYDACTYLY. Identifiers: Orphanet 474, MedGen C3280598, MONDO:0013717, OMIM 614376.
Senior-Loken syndrome 8 (SLSN8). Identifiers: Orphanet 3156, MedGen C4225376, MONDO:0014579, OMIM 616307.

Allele frequency attached by ClinVar (database versions not stated): ExAC 0.00002; gnomAD 0.00002; gnomAD exomes 0.00002 and 0.00003; TOPMed 0.00002.
gnomAD v4.1: 42 of 1,578,678 alleles (0.0027%); highest among the groups gnomAD compares: Non-Finnish European, 0.0035%; no homozygotes.

Submissions (2):

Blueprint Genetics
Classification: Uncertain significance. Last evaluated: 2022-11-29. Review status: criteria provided, single submitter. Criteria: ACMG Guidelines, 2015. Collection method: clinical testing. Allele origin: germline.

Labcorp Genetics (formerly Invitae), Labcorp
Classification: Uncertain significance for Senior-Loken syndrome 8; Asphyxiating thoracic dystrophy 5. Last evaluated: 2019-09-16. Review status: criteria provided, single submitter. Criteria: Invitae Variant Classification Sherloc (09022015). Collection method: clinical testing. Allele origin: germline.
Comment: This variant is present in population databases (rs781578023, ExAC 0.01%). This sequence change replaces tyrosine with aspartic acid at codon 36 of the WDR19 protein (p.Tyr36Asp). The tyrosine residue is weakly conserved and there is a large physicochemical difference between tyrosine and aspartic acid. This variant has not been reported in the literature in individuals with WDR19-related conditions. In summary, the available evidence is currently insufficient to determine the role of this variant in disease. Therefore, it has been classified as a Variant of Uncertain Significance. Algorithms developed to predict the effect of missense changes on protein structure and function (SIFT, PolyPhen-2, Align-GVGD) all suggest that this variant is likely to be tolerated, but these predictions have not been confirmed by published functional studies and their clinical significance is uncertain.

NM_025132.4(WDR19):c.106T>G (p.Tyr36Asp)

Gene: WDR19 (WD repeat domain 19; plus strand). Cytogenetic location: 4p14.
Variant type: single nucleotide variant.
Coding change: c.106T>G on transcript NM_025132.4 (MANE Select); coding-DNA position 106, T replaced by G.
Protein change: p.Tyr36Asp; replaces tyrosine 36 with aspartic acid.
Molecular consequence: missense variant. On other transcripts: 5 prime UTR variant (1).
Genome position (GRCh38, 1-based): chr4:39,186,546, T>G. VCF-style: chr4-39186546-T-G. GRCh37 (hg19) VCF-style: chr4-39188166-T-G.
Other names: c.-259T>G (NM_001317924.2); short protein forms Y36D.
Identifiers: ClinVar variation 964072 (VCV000964072.9), dbSNP rs781578023, ClinGen allele CA2891539.